The following is an entry in ClinVar:

ClinVar aggregate classification (germline): Likely benign. Review status: criteria provided, multiple submitters, no conflicts (2 of 4 stars). 2 submissions from 2 submitters: Likely benign (2). Last evaluated 2024-12-31.

Conditions:
Autosomal recessive limb-girdle muscular dystrophy type 2J (LGMDR10). Also called: Limb-girdle muscular dystrophy, type 2J; MUSCULAR DYSTROPHY, LIMB-GIRDLE, AUTOSOMAL RECESSIVE 10. Identifiers: Orphanet 140922, MedGen C1837342, MONDO:0012127, OMIM 608807.
Dilated cardiomyopathy 1G (CMD1G). Identifiers: Orphanet 154, MedGen C1858763, MONDO:0011400, OMIM 604145.

Submissions (2):

Mayo Clinic Laboratories, Mayo Clinic
Classification: Likely benign. Last evaluated: 2024-12-31. Review status: criteria provided, single submitter. Criteria: ACMG Guidelines, 2015. Collection method: clinical testing. Allele origin: germline. Observed: 1 variant allele.
Comment: BP4, BP7

Labcorp Genetics (formerly Invitae), Labcorp
Classification: Likely benign for Dilated cardiomyopathy 1G; Autosomal recessive limb-girdle muscular dystrophy type 2J. Last evaluated: 2022-07-26. Review status: criteria provided, single submitter. Criteria: Invitae Variant Classification Sherloc (09022015). Collection method: clinical testing. Allele origin: germline.

NM_001267550.2(TTN):c.9336C>T (p.His3112=)

Gene: TTN (titin; minus strand). Cytogenetic location: 2q31.2.
Variant type: single nucleotide variant.
Coding change: c.9336C>T on transcript NM_001267550.2 (MANE Select); coding-DNA position 9336, C replaced by T.
Protein change: p.His3112=; no amino-acid change (histidine 3112 retained).
Molecular consequence: synonymous variant.
Genome position (GRCh38, 1-based): chr2:178,767,894, G>A on the plus strand (C>T on the coding strand, the complement: TTN is on the minus strand). VCF-style: chr2-178767894-G-A. GRCh37 (hg19) VCF-style: chr2-179632621-G-A.
Other names: p.His3112=; c.9336C>T, p.His3112= (NM_001256850.1, NM_133378.4, NM_133379.5); c.9198C>T, p.His3066= (NM_003319.4, NM_133432.3, NM_133437.4).
Identifiers: ClinVar variation 1159558 (VCV001159558.10), dbSNP rs2154341434, ClinGen allele CA430298633.